The following is an entry in ClinVar:

ClinVar aggregate classification (germline): Conflicting classifications of pathogenicity. Review status: criteria provided, conflicting classifications (1 of 4 stars). 2 submissions from 2 submitters: Uncertain significance (1); Likely benign (1). Last evaluated 2024-02-03.

Allele frequency attached by ClinVar (database versions not stated): gnomAD exomes 0.00001; TOPMed 0.00002; ExAC 0.00003; gnomAD 0.00003.
gnomAD v4.1: 16 of 1,602,458 alleles (0.001%); highest among the groups gnomAD compares: African/African-American, 0.011%; no homozygotes.

Submissions (2):

Labcorp Genetics (formerly Invitae), Labcorp
Classification: Uncertain significance. Last evaluated: 2024-02-03. Review status: criteria provided, single submitter. Criteria: Invitae Variant Classification Sherloc (09022015). Collection method: clinical testing. Allele origin: germline.
Comment: This sequence change affects codon 190 of the POLD2 mRNA. It is a 'silent' change, meaning that it does not change the encoded amino acid sequence of the POLD2 protein. It affects a nucleotide within the consensus splice site. The frequency data for this variant in the population databases is considered unreliable, as metrics indicate poor data quality at this position in the gnomAD database. This variant has not been reported in the literature in individuals affected with POLD2-related conditions. ClinVar contains an entry for this variant (Variation ID: 2190620). Algorithms developed to predict the effect of sequence changes on RNA splicing suggest that this variant is not likely to affect RNA splicing. In summary, the available evidence is currently insufficient to determine the role of this variant in disease. Therefore, it has been classified as a Variant of Uncertain Significance.

Blueprint Genetics
Classification: Likely benign. Last evaluated: 2023-01-26. Review status: criteria provided, single submitter. Criteria: ACMG Guidelines, 2015. Collection method: clinical testing. Allele origin: germline.

NM_006230.4(POLD2):c.465G>A (p.Thr155=)

Gene: POLD2 (DNA polymerase delta 2, accessory subunit; minus strand). Cytogenetic location: 7p13.
Variant type: single nucleotide variant.
Coding change: c.465G>A on transcript NM_006230.4 (MANE Select); coding-DNA position 465, G replaced by A.
Protein change: p.Thr155=; no amino-acid change (threonine 155 retained).
Molecular consequence: synonymous variant.
Genome position (GRCh38, 1-based): chr7:44,117,620, C>T on the plus strand (G>A on the coding strand, the complement: POLD2 is on the minus strand). VCF-style: chr7-44117620-C-T. GRCh37 (hg19) VCF-style: chr7-44157219-C-T.
Other names: c.465G>A, p.Thr155= (NM_001127218.3, NM_001256879.2).
Identifiers: ClinVar variation 2190620 (VCV002190620.5), dbSNP rs770681535, ClinGen allele CA4238854.